The following is an entry in ClinVar:

ClinVar aggregate classification (germline): Pathogenic. Review status: criteria provided, multiple submitters, no conflicts (2 of 4 stars). 3 submissions from 3 submitters: Pathogenic (3). Last evaluated 2025-10-29.

Conditions:
Methylmalonic acidemia (MMA). Also called: Isolated Methylmalonic Acidemia. Identifiers: MedGen C0268583, MeSH C537358, MONDO:0002012, HP:0002912.
Methylmalonic aciduria due to methylmalonyl-CoA mutase deficiency (MAMM). Also called: Methylmalonic aciduria, mut type. Identifiers: Orphanet 27, MedGen C1855114, MONDO:0009612, OMIM 251000.

Allele frequency attached by ClinVar (database versions not stated): gnomAD exomes below 0.00001 and 0.00001; TOPMed below 0.00001; ExAC 0.00001.

Submissions (3):

Women's Health and Genetics/Laboratory Corporation of America, LabCorp
Classification: Pathogenic for Methylmalonic acidemia. Last evaluated: 2025-10-29. Review status: criteria provided, single submitter. Criteria: LabCorp Variant Classification Summary - May 2015. Collection method: clinical testing. Allele origin: germline.
Comment: Variant summary: MMUT c.755dupA (p.His252GlnfsX6) results in a premature termination codon, predicted to cause a truncation of the encoded protein or absence of the protein due to nonsense mediated decay, which are commonly known mechanisms for disease. The variant allele was found at a frequency of 6.2e-07 in 1604302 control chromosomes. c.755dupA has been observed in multiple individuals affected with Methylmalonic Acidemia (e.g. Yu_2021). These data indicate that the variant is very likely to be associated with disease. The following publication has been ascertained in the context of this evaluation (PMID: 34668645) ClinVar contains an entry for this variant (Variation ID: 947602). Based on the evidence outlined above, the variant was classified as pathogenic.

Labcorp Genetics (formerly Invitae), Labcorp
Classification: Pathogenic. Last evaluated: 2024-02-19. Review status: criteria provided, single submitter. Criteria: Invitae Variant Classification Sherloc (09022015). Collection method: clinical testing. Allele origin: germline.
Comment: This sequence change creates a premature translational stop signal (p.His252Glnfs*6) in the MUT gene. It is expected to result in an absent or disrupted protein product. Loss-of-function variants in MUT are known to be pathogenic (PMID: 15781192). The frequency data for this variant in the population databases is considered unreliable, as metrics indicate poor data quality at this position in the gnomAD database. This premature translational stop signal has been observed in individuals with methylmalonic aciduria (PMID: 23430940, 27751223). ClinVar contains an entry for this variant (Variation ID: 947602). For these reasons, this variant has been classified as Pathogenic.

Juno Genomics, Hangzhou Juno Genomics, Inc
Classification: Pathogenic for Methylmalonic aciduria due to methylmalonyl-CoA mutase deficiency. Review status: criteria provided, single submitter. Criteria: ACMG Guidelines, 2015. Collection method: clinical testing. Allele origin: germline. Affected: yes.
Comment: Null variant in a gene where loss of function (LOF) is a known mechanism of disease.;Absent from controls (or at extremely low frequency if recessive) in Genome Aggregation Database, Exome Sequencing Project, 1000 Genomes Project, or Exome Aggregation Consortium.;For recessive disorders, detected in trans with a pathogenic variant.;Patient's phenotype or family history is highly specific for a disease with a single genetic etiology.

Literature cited by the submitters: PubMed 34668645 (cited by Women's Health and Genetics/Laboratory Corporation of America, LabCorp); PubMed 15781192 (cited by Labcorp Genetics (formerly Invitae), Labcorp); PubMed 23430940 (cited by Labcorp Genetics (formerly Invitae), Labcorp); PubMed 27751223 (cited by Labcorp Genetics (formerly Invitae), Labcorp).

NM_000255.4(MMUT):c.755dup (p.His252fs)

Gene: MMUT (methylmalonyl-CoA mutase; minus strand). Cytogenetic location: 6p12.3.
Variant type: Duplication.
Coding change: c.755dup on transcript NM_000255.4 (MANE Select); coding-DNA position 755, one base duplicated (A; older notation c.755dupA).
Protein change: p.His252fs; shifts the reading frame from histidine 252.
Molecular consequence: frameshift variant.
Genome position (GRCh38, 1-based): chr6:49,456,236, T duplicated on the plus strand (A on the coding strand, the reverse complement: MMUT is on the minus strand). VCF-style (leftmost placement, unchanged base first): chr6-49456235-G-GT. GRCh37 (hg19) VCF-style: chr6-49423948-G-GT.
Other names: c.755dupA (NM_000255.4); short protein forms H252fs.
Identifiers: ClinVar variation 947602 (VCV000947602.10), dbSNP rs751624492, ClinGen allele CA3847037.